The following is an entry in ClinVar:

NM_017780.4(CHD7):c.1784A>T (p.Gln595Leu)

Genes: CHD7 (chromodomain helicase DNA binding protein 7; plus strand), LOC126860403 (CDK7 strongly-dependent group 2 enhancer GRCh37_chr8:61693034-61694233; plus strand). Cytogenetic location: 8q12.2.
Variant type: single nucleotide variant.
Coding change: c.1784A>T on transcript NM_017780.4 (MANE Select); coding-DNA position 1784, A replaced by T.
Protein change: p.Gln595Leu; replaces glutamine 595 with leucine.
Molecular consequence: missense variant. On other transcripts: intron variant (1).
Genome position (GRCh38, 1-based): chr8:60,781,118, A>T. VCF-style: chr8-60781118-A-T. GRCh37 (hg19) VCF-style: chr8-61693677-A-T.
Other names: c.1716+68A>T (NM_001316690.1); short protein forms Q595L.
Identifiers: ClinVar variation 1387298 (VCV001387298.6), dbSNP rs2150669341, ClinGen allele CA371311948.

ClinVar aggregate classification (germline): Uncertain significance (1 of 4 stars; one submission).

Conditions:
CHARGE syndrome (CHARGE). Also called: Hittner Hirsch Kreh syndrome; CHARGE ASSOCIATION--COLOBOMA, HEART ANOMALY, CHOANAL ATRESIA, RETARDATION, GENITAL AND EAR ANOMALIES; Coloboma, heart anomaly, choanal atresia, retardation, genital and ear anomalies; CHARGE association; Hall-Hittner syndrome. Identifiers: Orphanet 138, MedGen C0265354, MONDO:0008965.

gnomAD v4.1: 1 of 1,611,182 alleles (0.000062%); highest among the groups gnomAD compares: Non-Finnish European, 0.000085%; no homozygotes.

Submission:

Labcorp Genetics (formerly Invitae), Labcorp
Classification: Uncertain significance for CHARGE syndrome. Last evaluated: 2021-10-15. Review status: criteria provided, single submitter. Criteria: Invitae Variant Classification Sherloc (09022015). Collection method: clinical testing. Allele origin: germline.
Comment: In summary, the available evidence is currently insufficient to determine the role of this variant in disease. Therefore, it has been classified as a Variant of Uncertain Significance. Advanced modeling of protein sequence and biophysical properties (such as structural, functional, and spatial information, amino acid conservation, physicochemical variation, residue mobility, and thermodynamic stability) performed at Invitae indicates that this missense variant is not expected to disrupt CHD7 protein function. This variant has not been reported in the literature in individuals affected with CHD7-related conditions. This variant is not present in population databases (ExAC no frequency). This sequence change replaces glutamine with leucine at codon 595 of the CHD7 protein (p.Gln595Leu). The glutamine residue is highly conserved and there is a moderate physicochemical difference between glutamine and leucine.